The following is an entry in ClinVar:

ClinVar aggregate classification (germline): Uncertain significance. Review status: criteria provided, multiple submitters, no conflicts (2 of 4 stars). 2 submissions from 2 submitters: Uncertain significance (2). Last evaluated 2025-06-19.

Conditions:
DICER1-related tumor predisposition. Also called: DICER1 syndrome; DICER1-related pleuropulmonary blastoma cancer predisposition syndrome. Identifiers: Orphanet 284343, MedGen C3839822, MONDO:0100216.
Hereditary cancer-predisposing syndrome. Also called: Neoplastic Syndromes, Hereditary; Hereditary neoplastic syndrome; Tumor predisposition; Hereditary Cancer Syndrome. Identifiers: Orphanet 140162, MedGen C0027672, MeSH D009386, MONDO:0015356.

Allele frequency attached by ClinVar (database versions not stated): gnomAD exomes below 0.00001; ExAC 0.00001.
gnomAD v4.1: 1 of 1,613,998 alleles (0.000062%); highest among the groups gnomAD compares: Non-Finnish European, 0.000085%; no homozygotes.

Submissions (2):

Labcorp Genetics (formerly Invitae), Labcorp
Classification: Uncertain significance for DICER1-related tumor predisposition. Last evaluated: 2025-06-19. Review status: criteria provided, single submitter. Criteria: Invitae Variant Classification Sherloc (09022015). Collection method: clinical testing. Allele origin: germline.
Comment: This sequence change replaces lysine, which is basic and polar, with arginine, which is basic and polar, at codon 832 of the DICER1 protein (p.Lys832Arg). This variant is present in population databases (rs780581268, gnomAD 0.0009%). This variant has not been reported in the literature in individuals affected with DICER1-related conditions. ClinVar contains an entry for this variant (Variation ID: 660262). Invitae Evidence Modeling of protein sequence and biophysical properties (such as structural, functional, and spatial information, amino acid conservation, physicochemical variation, residue mobility, and thermodynamic stability) indicates that this missense variant is not expected to disrupt DICER1 protein function with a negative predictive value of 95%. Algorithms developed to predict the effect of sequence changes on RNA splicing suggest that this variant may disrupt the consensus splice site. In summary, the available evidence is currently insufficient to determine the role of this variant in disease. Therefore, it has been classified as a Variant of Uncertain Significance.

Ambry Genetics
Classification: Uncertain significance for Hereditary cancer-predisposing syndrome. Last evaluated: 2022-06-29. Review status: criteria provided, single submitter. Criteria: Ambry Variant Classification Scheme 2023. Collection method: clinical testing. Allele origin: germline.
Comment: The p.K832R variant (also known as c.2495A>G), located in coding exon 15 of the DICER1 gene, results from an A to G substitution at nucleotide position 2495. The lysine at codon 832 is replaced by arginine, an amino acid with highly similar properties. This amino acid position is conserved. In addition, this alteration is predicted to be tolerated by in silico analysis. Since supporting evidence is limited at this time, the clinical significance of this alteration remains unclear.

NM_177438.3(DICER1):c.2495A>G (p.Lys832Arg)

Gene: DICER1 (dicer 1, ribonuclease III; minus strand). Cytogenetic location: 14q32.13.
Variant type: single nucleotide variant.
Coding change: c.2495A>G on transcript NM_177438.3 (MANE Select); coding-DNA position 2495, A replaced by G.
Protein change: p.Lys832Arg; replaces lysine 832 with arginine.
Molecular consequence: missense variant.
Genome position (GRCh38, 1-based): chr14:95,108,035, T>C on the plus strand (A>G on the coding strand, the complement: DICER1 is on the minus strand). VCF-style: chr14-95108035-T-C. GRCh37 (hg19) VCF-style: chr14-95574372-T-C.
Other names: c.2495A>G, p.Lys832Arg (NM_001195573.1, NM_001271282.3, NM_001291628.2 and 1 more transcripts); short protein forms K832R.
Identifiers: ClinVar variation 660262 (VCV000660262.14), dbSNP rs780581268, ClinGen allele CA7331229.